The following is an entry in ClinVar:

ClinVar aggregate classification (germline): Uncertain significance (1 of 4 stars; one submission).

Allele frequency attached by ClinVar (database versions not stated): gnomAD exomes below 0.00001.
gnomAD v4.1: 2 of 1,613,334 alleles (0.00012%); highest among the groups gnomAD compares: Middle Eastern, 0.017%; no homozygotes.

Submission:

Labcorp Genetics (formerly Invitae), Labcorp
Classification: Uncertain significance. Last evaluated: 2023-12-11. Review status: criteria provided, single submitter. Criteria: Invitae Variant Classification Sherloc (09022015). Collection method: clinical testing. Allele origin: germline.
Comment: This sequence change replaces isoleucine, which is neutral and non-polar, with valine, which is neutral and non-polar, at codon 324 of the RP1 protein (p.Ile324Val). This variant is not present in population databases (gnomAD no frequency). This variant has not been reported in the literature in individuals affected with RP1-related conditions. Algorithms developed to predict the effect of missense changes on protein structure and function output the following: SIFT: "Not Available"; PolyPhen-2: "Benign"; Align-GVGD: "Not Available". The valine amino acid residue is found in multiple mammalian species, which suggests that this missense change does not adversely affect protein function. In summary, the available evidence is currently insufficient to determine the role of this variant in disease. Therefore, it has been classified as a Variant of Uncertain Significance.

NM_006269.2(RP1):c.970A>G (p.Ile324Val)

Gene: RP1 (RP1 axonemal microtubule associated; plus strand). Cytogenetic location: 8q12.1.
Variant type: single nucleotide variant.
Coding change: c.970A>G on transcript NM_006269.2 (MANE Select); coding-DNA position 970, A replaced by G.
Protein change: p.Ile324Val; replaces isoleucine 324 with valine.
Molecular consequence: missense variant. On other transcripts: intron variant (1).
Genome position (GRCh38, 1-based): chr8:54,624,852, A>G. VCF-style: chr8-54624852-A-G. GRCh37 (hg19) VCF-style: chr8-55537412-A-G.
Other names: c.787+2564A>G (NM_001375654.1); short protein forms I324V.
Identifiers: ClinVar variation 2792886 (VCV002792886.3), dbSNP rs2536567349, ClinGen allele CA370988993.